The following is an entry in ClinVar:

NM_002609.4(PDGFRB):c.1145C>T (p.Thr382Ile)

Gene: PDGFRB (platelet derived growth factor receptor beta; minus strand). Cytogenetic location: 5q32.
Variant type: single nucleotide variant.
Coding change: c.1145C>T on transcript NM_002609.4 (MANE Select); coding-DNA position 1145, C replaced by T.
Protein change: p.Thr382Ile; replaces threonine 382 with isoleucine.
Molecular consequence: missense variant.
Genome position (GRCh38, 1-based): chr5:150,132,077, G>A on the plus strand (C>T on the coding strand, the complement: PDGFRB is on the minus strand). VCF-style: chr5-150132077-G-A. GRCh37 (hg19) VCF-style: chr5-149511640-G-A.
Other names: p.Thr382Ile; c.953C>T, p.Thr318Ile (NM_001355016.2); c.662C>T, p.Thr221Ile (NM_001355017.2); short protein forms T221I, T318I, T382I.
Identifiers: ClinVar variation 3379608 (VCV003379608.1).

ClinVar aggregate classification (germline): Uncertain significance (1 of 4 stars; one submission).

gnomAD v4.1: 2 of 1,602,564 alleles (0.00012%); highest among the groups gnomAD compares: South Asian, 0.0022%; no homozygotes.

Submission:

Mayo Clinic Laboratories, Mayo Clinic
Classification: Uncertain significance. Last evaluated: 2024-05-20. Review status: criteria provided, single submitter. Criteria: ACMG Guidelines, 2015. Collection method: clinical testing. Allele origin: germline. Observed: 1 variant allele.
Comment: BP4